The following is an entry in ClinVar:

ClinVar aggregate classification (germline): Conflicting classifications of pathogenicity. Review status: criteria provided, conflicting classifications (1 of 4 stars). 5 submissions from 5 submitters: Uncertain significance (2); Benign (1); Likely benign (1). 1 of the submissions does not count toward it. Last evaluated 2024-10-11.

Conditions:
Menke-Hennekam syndrome 2 (MKHK2). Identifiers: MedGen C5193035, MONDO:0020769, OMIM 618333.
Rubinstein-Taybi syndrome due to CREBBP mutations (RSTS1). Also called: RUBINSTEIN-TAYBI SYNDROME 1, INCOMPLETE; Rubinstein-Taybi syndrome 1; CREBBP-Related Rubinstein-Taybi Syndrome; BROAD THUMB-HALLUX SYNDROME; BROAD THUMBS AND GREAT TOES, CHARACTERISTIC FACIES, AND IMPAIRED INTELLECTUAL DEVELOPMENT; RUBINSTEIN SYNDROME. Identifiers: Orphanet 353277, Orphanet 783, MedGen C4551859, MONDO:0008393, OMIM 180849.
Colorectal cancer. Also called: Colorectal cancer, somatic; Malignant Colorectal Neoplasm. Identifiers: MedGen C0346629, MONDO:0005575, OMIM 114500.
Rubinstein-Taybi syndrome due to EP300 haploinsufficiency. Also called: EP300-Related Rubinstein-Taybi Syndrome; RUBINSTEIN-TAYBI SYNDROME 2. Identifiers: Orphanet 353284, Orphanet 783, MedGen C3150941, MONDO:0013364, OMIM 613684.
EP300-related disorder. Also called: EP300-related disorders; EP300-related condition.
Inborn genetic diseases. Identifiers: MedGen C0950123, MeSH D030342.

Allele frequency attached by ClinVar (database versions not stated): gnomAD exomes 0.00001 and 0.00003; ExAC 0.00003; gnomAD 0.00010 and 0.00011; TOPMed 0.00011; ESP Exome Variant Server 0.00015.
gnomAD v4.1: 31 of 1,614,138 alleles (0.0019%); highest among the groups gnomAD compares: African/African-American, 0.029%; no homozygotes.

Submissions (5):

Blueprint Genetics
Classification: Uncertain significance. Last evaluated: 2024-10-11. Review status: criteria provided, single submitter. Criteria: ACMG Guidelines, 2015. Collection method: clinical testing. Allele origin: germline.

Labcorp Genetics (formerly Invitae), Labcorp
Classification: Benign for Rubinstein-Taybi syndrome due to EP300 haploinsufficiency. Last evaluated: 2023-04-07. Review status: criteria provided, single submitter. Criteria: Invitae Variant Classification Sherloc (09022015). Collection method: clinical testing. Allele origin: germline.

Ambry Genetics
Classification: Likely benign for Inborn genetic diseases. Last evaluated: 2022-10-27. Review status: criteria provided, single submitter. Criteria: Ambry Variant Classification Scheme 2023. Collection method: clinical testing. Allele origin: germline.

Fulgent Genetics
Classification: Uncertain significance for Colorectal cancer; Rubinstein-Taybi syndrome due to CREBBP mutations; Rubinstein-Taybi syndrome due to EP300 haploinsufficiency; Menke-Hennekam syndrome 2. Last evaluated: 2021-07-03. Review status: criteria provided, single submitter. Criteria: ACMG Guidelines, 2015. Collection method: clinical testing. Allele origin: unknown.

PreventionGenetics, part of Exact Sciences
Classification: Likely benign for EP300-related condition. Last evaluated: 2023-02-21. Review status: no assertion criteria provided. Collection method: clinical testing. Allele origin: germline. Not counted in ClinVar's aggregate classification.
Comment: This variant is classified as likely benign based on ACMG/AMP sequence variant interpretation guidelines (Richards et al. 2015 PMID: 25741868, with internal and published modifications).

NM_001429.4(EP300):c.454G>A (p.Gly152Ser)

Gene: EP300 (EP300 lysine acetyltransferase; plus strand). Cytogenetic location: 22q13.2.
Variant type: single nucleotide variant.
Coding change: c.454G>A on transcript NM_001429.4 (MANE Select); coding-DNA position 454, G replaced by A.
Protein change: p.Gly152Ser; replaces glycine 152 with serine.
Molecular consequence: missense variant.
Genome position (GRCh38, 1-based): chr22:41,117,546, G>A. VCF-style: chr22-41117546-G-A. GRCh37 (hg19) VCF-style: chr22-41513550-G-A.
Other names: c.454G>A, p.Gly152Ser (NM_001362843.2); short protein forms G152S.
Identifiers: ClinVar variation 1350847 (VCV001350847.11), dbSNP rs142758675, ClinGen allele CA10252254.
Genomic context (GRCh38, chr22:41,117,546, plus strand): 5'-ACTTCTCCCAACATGGGGATGGGCACTAGTGGACCAAATCAGGGTCCTACGCAGTCAACA[G>A]GTATGATGAACAGTCCAGTAAATCAGCCTGCCATGGGAATGAACACAGGGATGAATGCGG-3'
Protein context (NP_001420.2, residues 142-162): GPNQGPTQST[Gly152Ser]MMNSPVNQPA